The following is an entry in ClinVar:

NM_033641.4(COL4A6):c.4333+29C>G

Gene: COL4A6 (collagen type IV alpha 6 chain; minus strand). Cytogenetic location: Xq22.3.
Variant type: single nucleotide variant.
Coding change: c.4333+29C>G on transcript NM_033641.4 (MANE Select); 29 bases into the intron after coding-DNA position 4333, C replaced by G.
Molecular consequence: intron variant.
Genome position (GRCh38, 1-based): chrX:108,161,590, G>C on the plus strand (C>G on the coding strand, the complement: COL4A6 is on the minus strand). VCF-style: chrX-108161590-G-C. GRCh37 (hg19) VCF-style: chrX-107404820-G-C.
Other names: c.4336+29C>G (NM_001847.4); c.4162+29C>G (NM_001287760.2); c.4261+29C>G (NM_001287759.2); c.4384+29C>G (NM_001287758.2).
Identifiers: ClinVar variation 682771 (VCV000682771.2), dbSNP rs747645350, ClinGen allele CA10487217.
Genomic context (GRCh38, chrX:108,161,590, plus strand): 5'-CAGACTTGAAGTTTTACTCACCCCCAGCCTCAAACCCTCCCAGACCACCATCCCCGCCCC[G>C]CCCGCCTCCTAATGTGGCATCATCAGACCTTCAAATCCTGGAGGGCCTTGCAGTCCAGGC-3'

ClinVar aggregate classification (germline): Likely benign. Review status: criteria provided, multiple submitters, no conflicts (2 of 4 stars). 2 submissions from 2 submitters: Likely benign (2). Last evaluated 2018-06-13.

Submissions (2):

GeneDx
Classification: Likely benign. Last evaluated: 2018-06-13. Review status: criteria provided, single submitter. Criteria: GeneDx Variant Classification (06012015). Collection method: clinical testing. Allele origin: germline. Affected: yes.
Comment: This variant is considered likely benign or benign based on one or more of the following criteria: it is a conservative change, it occurs at a poorly conserved position in the protein, it is predicted to be benign by multiple in silico algorithms, and/or has population frequency not consistent with disease.

Breakthrough Genomics
Classification: Likely benign. Review status: criteria provided, single submitter. Criteria: ACMG Guidelines, 2015. Collection method: not provided. Allele origin: germline. Inheritance: X-linked inheritance. Affected: yes.